The following is an entry in ClinVar:

ClinVar aggregate classification (germline): Conflicting classifications of pathogenicity. Review status: criteria provided, conflicting classifications (1 of 4 stars). 8 submissions from 8 submitters: Uncertain significance (3); Likely benign (5). Last evaluated 2025-03-31.

Conditions:
Cardiovascular phenotype. Identifiers: MedGen CN230736.
Glycogen storage disease, type II (IOPD). Also called: POMPE DISEASE, INFANTILE-ONSET; GLYCOGEN STORAGE DISEASE II, INFANTILE-ONSET; ACID ALPHA-GLUCOSIDASE DEFICIENCY, INFANTILE-ONSET; GAA DEFICIENCY, INFANTILE-ONSET; ACID MALTASE DEFICIENCY, INFANTILE-ONSET; CARDIOMEGALIA GLYCOGENICA DIFFUSA. Identifiers: Orphanet 365, MedGen C0017921, MONDO:0009290, OMIM 232300.

Allele frequency attached by ClinVar (database versions not stated): TOPMed 0.00003; ESP Exome Variant Server 0.00008.
gnomAD v4.1: 24 of 1,600,990 alleles (0.0015%); highest among the groups gnomAD compares: East Asian, 0.0023%; no homozygotes.

Submissions (8):

Labcorp Genetics (formerly Invitae), Labcorp
Classification: Likely benign for Glycogen storage disease, type II. Last evaluated: 2025-03-31. Review status: criteria provided, single submitter. Criteria: Invitae Variant Classification Sherloc (09022015). Collection method: clinical testing. Allele origin: germline.

Ambry Genetics
Classification: Likely benign for Cardiovascular phenotype. Last evaluated: 2023-07-15. Review status: criteria provided, single submitter. Criteria: Ambry Variant Classification Scheme 2023. Collection method: clinical testing. Allele origin: germline.

Genome-Nilou Lab
Classification: Uncertain significance for Glycogen storage disease, type II. Last evaluated: 2021-07-22. Review status: criteria provided, single submitter. Criteria: ACMG Guidelines, 2015. Collection method: clinical testing. Allele origin: germline. Affected: no.

Broad Center for Mendelian Genomics, Broad Institute of MIT and Harvard
Classification: Likely benign for Glycogen storage disease, type II. Last evaluated: 2020-01-22. Review status: criteria provided, single submitter. Criteria: ACMG Guidelines, 2015. Collection method: curation. Allele origin: germline. Inheritance: Autosomal recessive inheritance.
Comment: The c.2064C>T (p.Ser688=) variant in GAA has not been previously reported in individuals with Glycogen Storage Disease II but has been reported as a VUS by Illumina, Integrated Genetics, Invitae, and EGL Genetic Diagnostics and a likely benign variant by GeneDx in ClinVar (Variation ID: 287992). This variant has been identified in 0.004% (1/27822) of South Asian chromosomes, 0.003% (1/32422) of Latino chromosomes, and 0.001% (1/100938) of European (non-Finnish) chromosomes by the Genome Aggregation Database (gnomAD; dbSNP rs140996643). Although this variant has been seen in the general population, its frequency is low enough to be consistent with a recessive carrier frequency. Computational prediction tools and conservation analyses suggest that this variant may not impact the protein, though this information is not predictive enough to rule out pathogenicity. However, novel synonymous variants supported by computational evidence without raised suspicion for an impact are likely benign (Richards 2015). In summary, although additional studies are required to fully establish its clinical significance, this variant is likely benign. ACMG/AMP Criteria applied: PM2, BP4, BP7 (Richards 2015).

Women's Health and Genetics/Laboratory Corporation of America, LabCorp
Classification: Likely benign. Last evaluated: 2019-08-28. Review status: criteria provided, single submitter. Criteria: LabCorp Variant Classification Summary - May 2015. Collection method: clinical testing. Allele origin: germline.

Illumina Laboratory Services, Illumina
Classification: Uncertain significance for Glycogen storage disease, type II. Last evaluated: 2018-01-12. Review status: criteria provided, single submitter. Criteria: ICSL Variant Classification Criteria 13 December 2019. Collection method: clinical testing. Allele origin: germline.

GeneDx
Classification: Likely benign. Last evaluated: 2017-01-28. Review status: criteria provided, single submitter. Criteria: GeneDx Variant Classification (06012015). Collection method: clinical testing. Allele origin: germline. Affected: yes.
Comment: This variant is considered likely benign or benign based on one or more of the following criteria: it is a conservative change, it occurs at a poorly conserved position in the protein, it is predicted to be benign by multiple in silico algorithms, and/or has population frequency not consistent with disease.

Eurofins Ntd Llc (ga)
Classification: Uncertain significance. Last evaluated: 2016-06-17. Review status: criteria provided, single submitter. Criteria: EGL Classification Definitions 2015. Collection method: clinical testing. Allele origin: germline. Observed: 1 variant allele, 1 heterozygote.

NM_000152.5(GAA):c.2064C>T (p.Ser688=)

Gene: GAA (alpha glucosidase; plus strand). Cytogenetic location: 17q25.3.
Variant type: single nucleotide variant.
Coding change: c.2064C>T on transcript NM_000152.5 (MANE Select); coding-DNA position 2064, C replaced by T.
Protein change: p.Ser688=; no amino-acid change (serine 688 retained).
Molecular consequence: synonymous variant.
Genome position (GRCh38, 1-based): chr17:80,113,241, C>T. VCF-style: chr17-80113241-C-T. GRCh37 (hg19) VCF-style: chr17-78087040-C-T.
Other names: c.2064C>T (LRG_673t1); c.2064C>T, p.Ser688= (NM_001079803.3, NM_001079804.3).
Identifiers: ClinVar variation 287992 (VCV000287992.25), dbSNP rs140996643, ClinGen allele CA8815602.